The following is an entry in ClinVar:

ClinVar aggregate classification (germline): Uncertain significance (1 of 4 stars; one submission).

Conditions:
MHC class II deficiency. Also called: BLS, TYPE II; Bare lymphocyte syndrome 2. Identifiers: Orphanet 572, MedGen C5447452, MONDO:0008855.

Submission:

Labcorp Genetics (formerly Invitae), Labcorp
Classification: Uncertain significance for MHC class II deficiency. Last evaluated: 2020-08-10. Review status: criteria provided, single submitter. Criteria: Invitae Variant Classification Sherloc (09022015). Collection method: clinical testing. Allele origin: germline.
Comment: This sequence change falls in intron 10 of the RFX5 gene. It does not directly change the encoded amino acid sequence of the RFX5 protein, but it affects a nucleotide within the consensus splice site of the intron. This variant is not present in population databases (ExAC no frequency). This variant has not been reported in the literature in individuals with RFX5-related conditions. Nucleotide substitutions within the consensus splice site are a relatively common cause of aberrant splicing (PMID: 17576681, 9536098). Algorithms developed to predict the effect of sequence changes on RNA splicing suggest that this variant is not likely to affect RNA splicing, but this prediction has not been confirmed by published transcriptional studies. In summary, the available evidence is currently insufficient to determine the role of this variant in disease. Therefore, it has been classified as a Variant of Uncertain Significance.

Literature cited by the submitters: PubMed 17576681; PubMed 9536098.

NM_001025603.2(RFX5):c.858+6G>C

Gene: RFX5 (regulatory factor X5; minus strand). Cytogenetic location: 1q21.3.
Variant type: single nucleotide variant.
Coding change: c.858+6G>C on transcript NM_001025603.2 (MANE Select); 6 bases into the intron after coding-DNA position 858, G replaced by C.
Molecular consequence: intron variant.
Genome position (GRCh38, 1-based): chr1:151,343,336, C>G on the plus strand (G>C on the coding strand, the complement: RFX5 is on the minus strand). VCF-style: chr1-151343336-C-G. GRCh37 (hg19) VCF-style: chr1-151315812-C-G.
Other names: c.738+6G>C (NM_001379419.1, NM_001379420.1); c.858+6G>C (NM_000449.4, NM_001379413.1, NM_001379417.1 and 5 more transcripts).
Identifiers: ClinVar variation 1026710 (VCV001026710.2), dbSNP rs1650680124, ClinGen allele CA2479544678.